The following is an entry in ClinVar:

ClinVar aggregate classification (germline): Uncertain significance. Review status: criteria provided, multiple submitters, no conflicts (2 of 4 stars). 2 submissions from 2 submitters: Uncertain significance (2). Last evaluated 2021-09-17.

Conditions:
Cutis laxa with severe pulmonary, gastrointestinal and urinary anomalies. Also called: Cutis laxa, autosomal recessive, type IC; URBAN-RIFKIN-DAVIS SYNDROME; LTBP4-Related Cutis Laxa. Identifiers: Orphanet 221145, MedGen C2750804, MONDO:0013170, OMIM 613177. Disease mechanism: loss of function.

Allele frequency attached by ClinVar (database versions not stated): gnomAD 0.00001 and 0.00002; gnomAD exomes 0.00002 and 0.00008; ExAC 0.00004; TOPMed 0.00006; 1000 Genomes Project 30x 0.00016; 1000 Genomes Project 0.00020.

Submissions (2):

Labcorp Genetics (formerly Invitae), Labcorp
Classification: Uncertain significance. Last evaluated: 2021-09-17. Review status: criteria provided, single submitter. Criteria: Invitae Variant Classification Sherloc (09022015). Collection method: clinical testing. Allele origin: germline.
Comment: In summary, the available evidence is currently insufficient to determine the role of this variant in disease. Therefore, it has been classified as a Variant of Uncertain Significance. Experimental studies and prediction algorithms are not available or were not evaluated, and the functional significance of this variant is currently unknown. ClinVar contains an entry for this variant (Variation ID: 893852). This variant has not been reported in the literature in individuals affected with LTBP4-related conditions. This variant is present in population databases (rs562892147, ExAC 0.05%). This sequence change replaces alanine with glycine at codon 154 of the LTBP4 protein (p.Ala154Gly). The alanine residue is moderately conserved and there is a small physicochemical difference between alanine and glycine.

Illumina Laboratory Services, Illumina
Classification: Uncertain significance for Cutis laxa with severe pulmonary, gastrointestinal and urinary anomalies. Last evaluated: 2018-01-12. Review status: criteria provided, single submitter. Criteria: ICSL Variant Classification Criteria 13 December 2019. Collection method: clinical testing. Allele origin: germline.

NM_001042545.2(LTBP4):c.371C>G (p.Ala124Gly)

Gene: LTBP4 (latent transforming growth factor beta binding protein 4; plus strand). Cytogenetic location: 19q13.2.
Variant type: single nucleotide variant.
Coding change: c.371C>G on transcript NM_001042545.2 (MANE Select); coding-DNA position 371, C replaced by G.
Protein change: p.Ala124Gly; replaces alanine 124 with glycine.
Molecular consequence: missense variant.
Genome position (GRCh38, 1-based): chr19:40,605,155, C>G. VCF-style: chr19-40605155-C-G. GRCh37 (hg19) VCF-style: chr19-41111061-C-G.
Other names: c.572C>G, p.Ala191Gly (NM_001042544.1); c.461C>G, p.Ala154Gly (NM_003573.2); short protein forms A191G, A154G, A124G.
Identifiers: ClinVar variation 893852 (VCV000893852.7), dbSNP rs562892147, ClinGen allele CA9448015.
Genomic context (GRCh38, chr19:40,605,155, plus strand): 5'-GTCCCCCGGACTTCGCTGGCAAGTTCTGCCAGTTGCACTCCTCGGGCGCCCGGCCCCCGG[C>G]CCCGGCTGTACCAGGCCTCACCCGCTCCGTGTACACTATGCCACTGGCCAACCACCGCGA-3'
Protein context (NP_001036010.1, residues 114-134): QLHSSGARPP[Ala124Gly]PAVPGLTRSV